The following is an entry in ClinVar:

ClinVar aggregate classification (germline): Likely pathogenic (1 of 4 stars; one submission).

Conditions:
Waardenburg syndrome type 2A (WS2A). Also called: WAARDENBURG SYNDROME WITHOUT DYSTOPIA CANTHORUM. Identifiers: Orphanet 3440, MedGen C1860339, MONDO:0008671, OMIM 193510.

Submission:

Institute of Rare Diseases, West China Hospital, Sichuan University
Classification: Likely pathogenic for Waardenburg syndrome type 2A. Last evaluated: 2025-01-09. Review status: criteria provided, single submitter. Criteria: ClinGen HL ACMG Specifications v1. Collection method: research. Allele origin: germline. Affected: yes.
Comment: PVS1;PM2_Supporting

NM_001354604.2(MITF):c.393dup (p.Gln132fs)

Gene: MITF (melanocyte inducing transcription factor; plus strand). Cytogenetic location: 3p13.
Variant type: Duplication.
Coding change: c.393dup on transcript NM_001354604.2 (MANE Select); coding-DNA position 393, one base duplicated (A; older notation c.393dupA).
Protein change: p.Gln132fs; shifts the reading frame from glutamine 132.
Molecular consequence: frameshift variant.
Genome position (GRCh38, 1-based): chr3:69,937,860, A duplicated. VCF-style (leftmost placement, unchanged base first): chr3-69937859-T-TA. GRCh37 (hg19) VCF-style: chr3-69987010-T-TA.
Other names: c.72dup, p.Gln25fs (NM_000248.4, NM_001184968.2, NM_198158.3 and 1 more transcripts); c.237dup, p.Gln80fs (NM_001184967.2, NM_001354608.2); c.390dup, p.Gln131fs (NM_001354605.2, NM_001354606.2, NM_006722.3); c.342dup, p.Gln115fs (NM_001354607.2); c.393dup, p.Gln132fs (NM_198159.3); c.345dup, p.Gln116fs (NM_198177.3); short protein forms Q115fs, Q116fs, Q131fs, Q132fs, Q25fs, Q80fs.
Identifiers: ClinVar variation 3601271 (VCV003601271.1).
Genomic context (GRCh38, chr3:69,937,859, plus strand): 5'-TTTCCCTCCATGGCTATGTTCAGGTGCAGACCCACCTCGAAAACCCCACCAAGTACCACA[T>TA]ACAGCAAGCCCAACGGCAGCAGGTAAAGCAGTACCTTTCTACCACTTTAGCAAATAAACA-3'